The following is an entry in ClinVar:

NM_004612.4(TGFBR1):c.813T>C (p.Gly271=)

Gene: TGFBR1 (transforming growth factor beta receptor 1; plus strand). Cytogenetic location: 9q22.33.
Variant type: single nucleotide variant.
Coding change: c.813T>C on transcript NM_004612.4 (MANE Select); coding-DNA position 813, T replaced by C.
Protein change: p.Gly271=; no amino-acid change (glycine 271 retained).
Molecular consequence: synonymous variant.
Genome position (GRCh38, 1-based): chr9:99,142,543, T>C. VCF-style: chr9-99142543-T-C. GRCh37 (hg19) VCF-style: chr9-101904825-T-C.
Other names: c.582T>C, p.Gly194= (NM_001130916.3); c.825T>C, p.Gly275= (NM_001306210.2); c.813T>C (NM_004612.3).
Identifiers: ClinVar variation 919145 (VCV000919145.20), dbSNP rs200511345, ClinGen allele CA043219.

ClinVar aggregate classification (germline): Likely benign. Review status: criteria provided, multiple submitters, no conflicts (2 of 4 stars). 8 submissions from 8 submitters: Likely benign (7). 1 of the submissions does not count toward it. Last evaluated 2026-09-21.

Conditions:
TGFBR1-related disorder. Also called: TGFBR1-related condition.
Familial thoracic aortic aneurysm and aortic dissection (TAAD). Also called: Thoracic aortic aneurysms and dissections. Identifiers: Orphanet 91387, MedGen C4707243, MONDO:0019625.
Loeys-Dietz syndrome (LDS). Identifiers: Orphanet 60030, MedGen C2697932, MONDO:0018954.

Allele frequency attached by ClinVar (database versions not stated): gnomAD exomes 0.00003; ExAC 0.00002; gnomAD 0.00001; TOPMed 0.00002.
gnomAD v4.1: 41 of 1,613,910 alleles (0.0025%); highest among the groups gnomAD compares: Non-Finnish European, 0.0033%; no homozygotes.

Submissions (8):

Molecular Diagnostic Laboratory for Inherited Cardiovascular Disease, Montreal Heart Institute
Classification: Likely benign. Last evaluated: 2026-09-21. Review status: criteria provided, single submitter. Criteria: ACMG Guidelines, 2015. Collection method: clinical testing. Allele origin: germline. Affected: no.

Labcorp Genetics (formerly Invitae), Labcorp
Classification: Likely benign for Familial thoracic aortic aneurysm and aortic dissection. Last evaluated: 2025-11-03. Review status: criteria provided, single submitter. Criteria: Invitae Variant Classification Sherloc (09022015). Collection method: clinical testing. Allele origin: germline.

Blueprint Genetics
Classification: Likely benign. Last evaluated: 2024-07-19. Review status: criteria provided, single submitter. Criteria: ACMG Guidelines, 2015. Collection method: clinical testing. Allele origin: germline.

All of Us Research Program, National Institutes of Health
Classification: Likely benign for Loeys-Dietz syndrome. Last evaluated: 2023-11-28. Review status: criteria provided, single submitter. Criteria: ACMG Guidelines, 2015. Collection method: clinical testing. Allele origin: germline. Inheritance: Autosomal dominant inheritance. Observed: 7 variant alleles, 7 heterozygotes.
Comment: This study involves interpretation of variants in research participants for the purpose of population health screening. Participant phenotype was not available at the time of variant classification. Additional details can be found in publication PMID: 35346344, PMCID: PMC8962531

GeneDx
Classification: Likely benign. Last evaluated: 2021-02-25. Review status: criteria provided, single submitter. Criteria: GeneDx Variant Classification Process June 2021. Collection method: clinical testing. Allele origin: germline. Affected: yes.

Color Diagnostics, LLC DBA Color Health
Classification: Likely benign for Familial thoracic aortic aneurysm and aortic dissection. Last evaluated: 2019-09-16. Review status: criteria provided, single submitter. Criteria: ACMG Guidelines, 2015. Collection method: clinical testing. Allele origin: germline.

Ambry Genetics
Classification: Likely benign for Familial thoracic aortic aneurysm and aortic dissection. Last evaluated: 2019-05-17. Review status: criteria provided, single submitter. Criteria: Ambry Variant Classification Scheme 2023. Collection method: clinical testing. Allele origin: germline.

PreventionGenetics, part of Exact Sciences
Classification: Likely benign for TGFBR1-related condition. Last evaluated: 2023-12-29. Review status: no assertion criteria provided. Collection method: clinical testing. Allele origin: germline. Not counted in ClinVar's aggregate classification.
Comment: This variant is classified as likely benign based on ACMG/AMP sequence variant interpretation guidelines (Richards et al. 2015 PMID: 25741868, with internal and published modifications).